The following is an entry in ClinVar:

NM_000258.3(MYL3):c.307+4G>C

Gene: MYL3 (myosin light chain 3; minus strand). Cytogenetic location: 3p21.31.
Variant type: single nucleotide variant.
Coding change: c.307+4G>C on transcript NM_000258.3 (MANE Select); 4 bases into the intron after coding-DNA position 307, G replaced by C.
Molecular consequence: intron variant.
Genome position (GRCh38, 1-based): chr3:46,860,672, C>G on the plus strand (G>C on the coding strand, the complement: MYL3 is on the minus strand). VCF-style: chr3-46860672-C-G. GRCh37 (hg19) VCF-style: chr3-46902162-C-G.
Other names: c.307+4G>C (NM_000258.2).
Identifiers: ClinVar variation 2156134 (VCV002156134.6), dbSNP rs375395589, ClinGen allele CA043551.

ClinVar aggregate classification (germline): Conflicting classifications of pathogenicity. Review status: criteria provided, conflicting classifications (1 of 4 stars). 3 submissions from 3 submitters: Uncertain significance (2); Benign (1). Last evaluated 2025-04-02.

Conditions:
Cardiovascular phenotype. Identifiers: MedGen CN230736.
Hypertrophic cardiomyopathy. Also called: HYPERTROPHIC MYOCARDIOPATHY. Identifiers: Orphanet 217569, MedGen C0007194, MeSH D002312, MONDO:0005045, HP:0001639.

Allele frequency attached by ClinVar (database versions not stated): ExAC 0.00001; ESP Exome Variant Server 0.00008.

Submissions (3):

Ambry Genetics
Classification: Uncertain significance for Cardiovascular phenotype. Last evaluated: 2025-04-02. Review status: criteria provided, single submitter. Criteria: Ambry Variant Classification Scheme 2023. Collection method: clinical testing. Allele origin: germline.
Comment: The c.307+4G>C intronic variant results from a G to C substitution 4 nucleotides after coding exon 3 in the MYL3 gene. This nucleotide position is well conserved in available vertebrate species. In silico splice site analysis predicts that this alteration will not have any significant effect on splicing. Based on the available evidence, the clinical significance of this variant remains unclear.

Labcorp Genetics (formerly Invitae), Labcorp
Classification: Uncertain significance for Hypertrophic cardiomyopathy. Last evaluated: 2024-06-29. Review status: criteria provided, single submitter. Criteria: Invitae Variant Classification Sherloc (09022015). Collection method: clinical testing. Allele origin: germline.
Comment: This sequence change falls in intron 3 of the MYL3 gene. It does not directly change the encoded amino acid sequence of the MYL3 protein. It affects a nucleotide within the consensus splice site. This variant is present in population databases (rs375395589, gnomAD 0.0009%). This variant has not been reported in the literature in individuals affected with MYL3-related conditions. ClinVar contains an entry for this variant (Variation ID: 2156134). Variants that disrupt the consensus splice site are a relatively common cause of aberrant splicing (PMID: 17576681, 9536098). Algorithms developed to predict the effect of sequence changes on RNA splicing suggest that this variant is not likely to affect RNA splicing. In summary, the available evidence is currently insufficient to determine the role of this variant in disease. Therefore, it has been classified as a Variant of Uncertain Significance.

Blueprint Genetics
Classification: Benign. Last evaluated: 2022-03-30. Review status: criteria provided, single submitter. Criteria: ACMG Guidelines, 2015. Collection method: clinical testing. Allele origin: germline.

Literature cited by the submitters: PubMed 17576681 (cited by Labcorp Genetics (formerly Invitae), Labcorp); PubMed 9536098 (cited by Labcorp Genetics (formerly Invitae), Labcorp).